The following is an entry in ClinVar:

ClinVar aggregate classification (germline): Uncertain significance (1 of 4 stars; one submission).

Conditions:
Wilson-Turner syndrome (WTS). Also called: INTELLECTUAL DEVELOPMENTAL DISORDER, X-LINKED, SYNDROMIC, WILSON-TURNER TYPE; MENTAL RETARDATION, X-LINKED, SYNDROMIC 6. Identifiers: Orphanet 3459, MedGen C1839736, MONDO:0010665, OMIM 309585.

Submission:

Victorian Clinical Genetics Services, Murdoch Childrens Research Institute
Classification: Uncertain significance for Wilson-Turner syndrome. Last evaluated: 2021-05-06. Review status: criteria provided, single submitter. Criteria: ACMG Guidelines, 2015. Collection method: clinical testing. Allele origin: germline. Inheritance: X-linked recessive inheritance. Affected: yes.
Comment: Based on the classification scheme VCGS_Germline_v1.3.4, this variant is classified as VUS-3C. Following criteria are met: 0105 - The mechanism of disease for this gene is not clearly established, however loss of function is suspected (PMID: 24647030). (I) 0109 - This gene is associated with X-linked recessive disease. (I) 0200 - Variant is predicted to result in a missense amino acid change from serine to asparagine. (I) 0253 - This variant is hemizygous. (I) 0301 - Variant is absent from gnomAD (both v2 and v3). (SP) 0503 - Missense variant consistently predicted to be tolerated by multiple in silico tools or not conserved in placental mammals with a minor amino acid change. (SB) 0604 - Variant is not located in an established domain, motif, hotspot or informative constraint region. (I) 0705 - No comparable missense variants have previous evidence for pathogenicity. (I) 0807 - This variant has no previous evidence of pathogenicity. (I) 0905 - No published segregation evidence has been identified for this variant. (I) 1007 - No published functional evidence has been identified for this variant. (I) Legend: (SP) - Supporting pathogenic, (I) - Information, (SB) - Supporting benign

Literature cited by the submitters: PubMed 24647030.

NM_031206.7(LAS1L):c.1613G>A (p.Ser538Asn)

Gene: LAS1L (LAS1 like ribosome biogenesis factor; minus strand). Cytogenetic location: Xq12.
Variant type: single nucleotide variant.
Coding change: c.1613G>A on transcript NM_031206.7 (MANE Select); coding-DNA position 1613, G replaced by A.
Protein change: p.Ser538Asn; replaces serine 538 with asparagine.
Molecular consequence: missense variant. On other transcripts: non-coding transcript variant (1).
Genome position (GRCh38, 1-based): chrX:65,518,301, C>T on the plus strand (G>A on the coding strand, the complement: LAS1L is on the minus strand). VCF-style: chrX-65518301-C-T. GRCh37 (hg19) VCF-style: chrX-64738181-C-T.
Other names: c.1562G>A, p.Ser521Asn (NM_001170649.2, NM_001375333.1); c.1436G>A, p.Ser479Asn (NM_001170650.2); c.1613G>A, p.Ser538Asn (NM_001375328.1); c.656G>A, p.Ser219Asn (NM_001375332.1); short protein forms S219N, S479N, S521N, S538N.
Identifiers: ClinVar variation 1804952 (VCV001804952.1), dbSNP rs2522504387, ClinGen allele CA413315432.